The following is an entry in ClinVar:

ClinVar aggregate classification (germline): Likely benign (1 of 4 stars; one submission).

gnomAD v4.1: 18 of 1,600,914 alleles (0.0011%); highest among the groups gnomAD compares: Non-Finnish European, 0.0015%; no homozygotes.

Submission:

CeGaT Center for Human Genetics Tuebingen
Classification: Likely benign. Last evaluated: 2023-01-01. Review status: criteria provided, single submitter. Criteria: CeGaT Center For Human Genetics Tuebingen Variant Classification Criteria Version 2. Collection method: clinical testing. Allele origin: germline. Affected: yes. Observed: 1 variant allele.
Comment: PPP1R12C: BP4, BP7

NM_017607.4(PPP1R12C):c.663C>T (p.Ala221=)

Gene: PPP1R12C (protein phosphatase 1 regulatory subunit 12C; minus strand). Cytogenetic location: 19q13.42.
Variant type: single nucleotide variant.
Coding change: c.663C>T on transcript NM_017607.4 (MANE Select); coding-DNA position 663, C replaced by T.
Protein change: p.Ala221=; no amino-acid change (alanine 221 retained).
Molecular consequence: synonymous variant.
Genome position (GRCh38, 1-based): chr19:55,103,477, G>A on the plus strand (C>T on the coding strand, the complement: PPP1R12C is on the minus strand). VCF-style: chr19-55103477-G-A. GRCh37 (hg19) VCF-style: chr19-55614845-G-A.
Other names: c.663C>T, p.Ala221= (NM_001271618.2).
Identifiers: ClinVar variation 2650511 (VCV002650511.24), dbSNP rs950771571, ClinGen allele CA310119492.
Genomic context (GRCh38, chr19:55,103,477, plus strand): 5'-CTCAATGTAGCCCTTGGCAGCAGCCACGTGCAGGGCAGAGGCGCCTGTGCGGGGGTGCCG[G>A]GCCTCTGGCATGGCGCCCCCATTCAGCCAGCACCTCGTGTCATGAAGGAGCAATTCCTCT-3'
Protein context (NP_060077.1, residues 211-231): CWLNGGAMPE[Ala221=]RHPRTGASAL